The following is an entry in ClinVar:

NM_006904.7(PRKDC):c.10172C>T (p.Ala3391Val)

Gene: PRKDC (protein kinase, DNA-activated, catalytic subunit; minus strand). Cytogenetic location: 8q11.21.
Variant type: single nucleotide variant.
Coding change: c.10172C>T on transcript NM_006904.7 (MANE Select); coding-DNA position 10172, C replaced by T.
Protein change: p.Ala3391Val; replaces alanine 3391 with valine.
Molecular consequence: missense variant.
Genome position (GRCh38, 1-based): chr8:47,799,335, G>A on the plus strand (C>T on the coding strand, the complement: PRKDC is on the minus strand). VCF-style: chr8-47799335-G-A. GRCh37 (hg19) VCF-style: chr8-48711896-G-A.
Other names: c.10172C>T, p.Ala3391Val (NM_001081640.2); short protein forms A3391V.
Identifiers: ClinVar variation 952977 (VCV000952977.6), dbSNP rs562934408, ClinGen allele CA4739381.

ClinVar aggregate classification (germline): Uncertain significance. Review status: criteria provided, multiple submitters, no conflicts (2 of 4 stars). 2 submissions from 2 submitters: Uncertain significance (2). Last evaluated 2024-10-17.

Conditions:
Severe combined immunodeficiency due to DNA-PKcs deficiency. Also called: IMMUNODEFICIENCY 26 WITH NEUROLOGIC ABNORMALITIES; Immunodeficiency 26 with or without neurologic abnormalities. Identifiers: Orphanet 317425, MedGen C4014833, MONDO:0014423, OMIM 615966.

Allele frequency attached by ClinVar (database versions not stated): gnomAD 0.00008 and 0.00009; TOPMed 0.00008; 1000 Genomes Project 30x 0.00016; gnomAD exomes 0.00016; 1000 Genomes Project 0.00020; ExAC 0.00024.
gnomAD v4.1: 170 of 1,611,116 alleles (0.011%); highest among the groups gnomAD compares: Middle Eastern, 0.05%; no homozygotes.

Submissions (2):

Labcorp Genetics (formerly Invitae), Labcorp
Classification: Uncertain significance for Severe combined immunodeficiency due to DNA-PKcs deficiency. Last evaluated: 2024-10-17. Review status: criteria provided, single submitter. Criteria: Invitae Variant Classification Sherloc (09022015). Collection method: clinical testing. Allele origin: germline.
Comment: This sequence change replaces alanine, which is neutral and non-polar, with valine, which is neutral and non-polar, at codon 3391 of the PRKDC protein (p.Ala3391Val). This variant is present in population databases (rs562934408, gnomAD 0.03%). This variant has not been reported in the literature in individuals affected with PRKDC-related conditions. ClinVar contains an entry for this variant (Variation ID: 952977). Invitae Evidence Modeling of protein sequence and biophysical properties (such as structural, functional, and spatial information, amino acid conservation, physicochemical variation, residue mobility, and thermodynamic stability) indicates that this missense variant is not expected to disrupt PRKDC protein function with a negative predictive value of 80%. In summary, the available evidence is currently insufficient to determine the role of this variant in disease. Therefore, it has been classified as a Variant of Uncertain Significance.

Victorian Clinical Genetics Services, Murdoch Childrens Research Institute
Classification: Uncertain significance for Severe combined immunodeficiency due to DNA-PKcs deficiency. Last evaluated: 2020-05-21. Review status: criteria provided, single submitter. Criteria: ACMG Guidelines, 2015. Collection method: clinical testing. Allele origin: germline. Inheritance: Autosomal recessive inheritance.
Comment: A heterozygous missense variant, NM_006904.6(PRKDC):c.10172C>T, has been identified in exon 72 of 86 of the PRKDC gene. The variant is predicted to result in a minor amino acid change from an alanine to a valine at position 3391 of the protein, NP_008835.5(PRKDC):p.(Ala3391Val). The alanine residue at this position has low conservation (100 vertebrates, UCSC), and is located within the FAT domain. In silico predictions for this variant are consistently benign (Polyphen, SIFT, CADD, Mutation Taster). The variant is present in the gnomAD database at a frequency of 0.02% (42 heterozygotes, 0 homozygotes). This variant has not been previously reported in clinical cases. Based on the information available at the time of curation, this variant has been classified as a VARIANT of UNCERTAIN SIGNIFICANCE (VUS) with LOW CLINICAL RELEVANCE.